The following is an entry in ClinVar:

NM_172107.4(KCNQ2):c.1322A>G (p.Asp441Gly)

Gene: KCNQ2 (potassium voltage-gated channel subfamily Q member 2; minus strand). Cytogenetic location: 20q13.33.
Variant type: single nucleotide variant.
Coding change: c.1322A>G on transcript NM_172107.4 (MANE Select); coding-DNA position 1322, A replaced by G.
Protein change: p.Asp441Gly; replaces aspartic acid 441 with glycine.
Molecular consequence: missense variant. On other transcripts: intron variant (1).
Genome position (GRCh38, 1-based): chr20:63,415,106, T>C on the plus strand (A>G on the coding strand, the complement: KCNQ2 is on the minus strand). VCF-style: chr20-63415106-T-C. GRCh37 (hg19) VCF-style: chr20-62046459-T-C.
Other names: c.1268A>G, p.Asp423Gly (NM_001382235.1, NM_172106.3); c.1238A>G, p.Asp413Gly (NM_004518.6); c.1248-16A>G (NM_172108.5); short protein forms D423G, D441G, D413G.
Identifiers: ClinVar variation 2884562 (VCV002884562.3), dbSNP rs375822612, ClinGen allele CA9958472.

ClinVar aggregate classification (germline): Uncertain significance (1 of 4 stars; one submission).

Conditions:
Early-infantile DEE. Also called: Ohtahara syndrome; Early infantile epileptic encephalopathy; Early infantile epileptic encephalopathy with suppression bursts. Identifiers: Orphanet 1934, MedGen C0393706, MONDO:0800491.

Allele frequency attached by ClinVar (database versions not stated): TOPMed below 0.00001; ExAC 0.00001; gnomAD exomes below 0.00001; gnomAD 0.00001; ESP Exome Variant Server 0.00008.
gnomAD v4.1: 2 of 1,600,834 alleles (0.00012%); highest among the groups gnomAD compares: Middle Eastern, 0.033%; no homozygotes.

Submission:

Labcorp Genetics (formerly Invitae), Labcorp
Classification: Uncertain significance for Early-infantile DEE. Last evaluated: 2023-08-10. Review status: criteria provided, single submitter. Criteria: Invitae Variant Classification Sherloc (09022015). Collection method: clinical testing. Allele origin: germline.
Comment: In summary, the available evidence is currently insufficient to determine the role of this variant in disease. Therefore, it has been classified as a Variant of Uncertain Significance. An algorithm developed to predict the effect of missense changes on protein structure and function (PolyPhen-2) suggests that this variant is likely to be tolerated. This variant has not been reported in the literature in individuals affected with KCNQ2-related conditions. This variant is present in population databases (rs375822612, gnomAD no frequency). This sequence change replaces aspartic acid, which is acidic and polar, with glycine, which is neutral and non-polar, at codon 441 of the KCNQ2 protein (p.Asp441Gly).